The following is an entry in ClinVar:

ClinVar aggregate classification (germline): Pathogenic (1 of 4 stars; one submission).

Conditions:
Deficiency of alpha-mannosidase (MANSA). Also called: Alpha-Mannosidosis; LYSOSOMAL ALPHA-D-MANNOSIDASE DEFICIENCY; Mannosidosis, alpha-, types I and II. Identifiers: Orphanet 61, MedGen C0024748, MONDO:0009561, OMIM 248500.

Submission:

Labcorp Genetics (formerly Invitae), Labcorp
Classification: Pathogenic for Deficiency of alpha-mannosidase. Last evaluated: 2024-06-25. Review status: criteria provided, single submitter. Criteria: Invitae Variant Classification Sherloc (09022015). Collection method: clinical testing. Allele origin: germline.
Comment: This sequence change creates a premature translational stop signal (p.Met211Argfs*35) in the MAN2B1 gene. It is expected to result in an absent or disrupted protein product. Loss-of-function variants in MAN2B1 are known to be pathogenic (PMID: 9915946, 22161967). This variant is not present in population databases (gnomAD no frequency). This variant has not been reported in the literature in individuals affected with MAN2B1-related conditions. For these reasons, this variant has been classified as Pathogenic.

Literature cited by the submitters: PubMed 9915946; PubMed 22161967.

NM_000528.4(MAN2B1):c.632del (p.Met211fs)

Gene: MAN2B1 (mannosidase alpha class 2B member 1; minus strand). Cytogenetic location: 19p13.13.
Variant type: Deletion.
Coding change: c.632del on transcript NM_000528.4 (MANE Select); coding-DNA position 632, one base deleted (T; older notation c.632delT).
Protein change: p.Met211fs; shifts the reading frame from methionine 211.
Molecular consequence: frameshift variant.
Genome position (GRCh38, 1-based): chr19:12,663,834, A deleted on the plus strand (T on the coding strand, the reverse complement: MAN2B1 is on the minus strand). VCF-style (leftmost placement, unchanged base first): chr19-12663833-CA-C. GRCh37 (hg19) VCF-style: chr19-12774647-CA-C.
Other names: c.632del, p.Met211fs (NM_001173498.2); short protein forms M211fs.
Identifiers: ClinVar variation 3656535 (VCV003656535.2).